The following is an entry in ClinVar:

NM_138459.5(NUS1):c.18G>T (p.Glu6Asp)

Gene: NUS1 (NUS1 dehydrodolichyl diphosphate synthase subunit; plus strand). Cytogenetic location: 6q22.1.
Variant type: single nucleotide variant.
Coding change: c.18G>T on transcript NM_138459.5 (MANE Select); coding-DNA position 18, G replaced by T.
Protein change: p.Glu6Asp; replaces glutamic acid 6 with aspartic acid.
Molecular consequence: missense variant.
Genome position (GRCh38, 1-based): chr6:117,675,688, G>T. VCF-style: chr6-117675688-G-T. GRCh37 (hg19) VCF-style: chr6-117996851-G-T.
Other names: short protein forms E6D.
Identifiers: ClinVar variation 2830593 (VCV002830593.3), dbSNP rs2481982226, ClinGen allele CA365535730.

ClinVar aggregate classification (germline): Uncertain significance (1 of 4 stars; one submission).

Conditions:
Congenital disorder of glycosylation, type Iaa. Also called: Congenital disorder of glycosylation, type 1aa. Identifiers: MedGen C4310727, MONDO:0014904, OMIM 617082.

Submission:

Labcorp Genetics (formerly Invitae), Labcorp
Classification: Uncertain significance for Congenital disorder of glycosylation, type Iaa. Last evaluated: 2024-05-15. Review status: criteria provided, single submitter. Criteria: Invitae Variant Classification Sherloc (09022015). Collection method: clinical testing. Allele origin: germline.
Comment: This sequence change replaces glutamic acid, which is acidic and polar, with aspartic acid, which is acidic and polar, at codon 6 of the NUS1 protein (p.Glu6Asp). This variant is not present in population databases (gnomAD no frequency). This variant has not been reported in the literature in individuals affected with NUS1-related conditions. An algorithm developed to predict the effect of missense changes on protein structure and function (PolyPhen-2) suggests that this variant is likely to be tolerated. In summary, the available evidence is currently insufficient to determine the role of this variant in disease. Therefore, it has been classified as a Variant of Uncertain Significance.